The following is an entry in ClinVar:

NC_000008.10:g.(?_19818402)_(19824563_?)del

Gene: LPL (lipoprotein lipase; plus strand). Cytogenetic location: 8p21.3.
Variant type: Deletion.
Identifiers: ClinVar variation 2422620 (VCV002422620.4).

ClinVar aggregate classification (germline): Pathogenic (1 of 4 stars; one submission).

Submission:

Labcorp Genetics (formerly Invitae), Labcorp
Classification: Pathogenic. Last evaluated: 2022-11-18. Review status: criteria provided, single submitter. Criteria: Invitae Variant Classification Sherloc (09022015). Collection method: clinical testing. Allele origin: germline.
Comment: This variant is a gross deletion of the genomic region encompassing exon(s) 8-10 of the LPL gene, which includes the termination codon. This deletion extends beyond the assayed region for this gene and therefore may encompass additional genes. While this deletion is not anticipated to lead to nonsense mediated decay, it is expected to alter mRNA translation or result in a truncated protein product. For these reasons, this variant has been classified as Pathogenic. This variant disrupts a region of the LPL protein in which other variant(s) (deletion of exon 9) have been determined to be pathogenic (PMID: 7751824). This suggests that this is a clinically significant region of the protein, and that variants that disrupt it are likely to be disease-causing. A similar copy number variant has been observed in individual(s) with chylomicronemia (PMID: 20095985).

Literature cited by the submitters: PubMed 7751824; PubMed 20095985.